The following is an entry in ClinVar:

ClinVar aggregate classification (germline): Uncertain significance (1 of 4 stars; one submission).

gnomAD v4.1: 7 of 1,604,660 alleles (0.00044%); highest among the groups gnomAD compares: Middle Eastern, 0.017%; no homozygotes.

Submission:

Labcorp Genetics (formerly Invitae), Labcorp
Classification: Uncertain significance. Last evaluated: 2024-04-16. Review status: criteria provided, single submitter. Criteria: Invitae Variant Classification Sherloc (09022015). Collection method: clinical testing. Allele origin: germline.
Comment: This sequence change replaces proline, which is neutral and non-polar, with alanine, which is neutral and non-polar, at codon 836 of the MKL1 protein (p.Pro836Ala). This variant is present in population databases (no rsID available, gnomAD 0.02%). This variant has not been reported in the literature in individuals affected with MKL1-related conditions. An algorithm developed to predict the effect of missense changes on protein structure and function (PolyPhen-2) suggests that this variant is likely to be tolerated. In summary, the available evidence is currently insufficient to determine the role of this variant in disease. Therefore, it has been classified as a Variant of Uncertain Significance.

NM_020831.6(MRTFA):c.2806C>G (p.Pro936Ala)

Gene: MRTFA (myocardin related transcription factor A; minus strand). Cytogenetic location: 22q13.1.
Variant type: single nucleotide variant.
Coding change: c.2806C>G on transcript NM_020831.6 (MANE Select); coding-DNA position 2806, C replaced by G.
Protein change: p.Pro936Ala; replaces proline 936 with alanine.
Molecular consequence: missense variant. On other transcripts: 3 prime UTR variant (1).
Genome position (GRCh38, 1-based): chr22:40,411,680, G>C on the plus strand (C>G on the coding strand, the complement: MRTFA is on the minus strand). VCF-style: chr22-40411680-G-C. GRCh37 (hg19) VCF-style: chr22-40807684-G-C.
Other names: c.2506C>G, p.Pro836Ala (NM_001282660.2); c.2656C>G, p.Pro886Ala (NM_001282661.3); c.*119C>G (NM_001282662.3); c.2611C>G, p.Pro871Ala (NM_001318139.2); short protein forms P836A, P871A, P886A, P936A.
Identifiers: ClinVar variation 3605339 (VCV003605339.2).